The following continues an entry in ClinVar:

NM_000218.3(KCNQ1):c.776G>A (p.Arg259His)

Gene: KCNQ1. ClinVar aggregate classification (germline): Pathogenic/Likely pathogenic. Pathogenic (5); Likely pathogenic (9).

Submissions 10 to 15 of 15:

Institute of Human Genetics, Clinical Exome/Genome Diagnostics Group, University Hospital Bonn
Classification: Pathogenic for Short QT syndrome type 2. Last evaluated: 2021-10-11. Review status: criteria provided, single submitter. Criteria: ACMG Guidelines, 2015. Collection method: clinical testing. Allele origin: germline.
Comment: Incidental finding in clinical exome sequencing. PS1, PS3, PP3

AiLife Diagnostics
Classification: Likely pathogenic. Last evaluated: 2021-09-21. Review status: criteria provided, single submitter. Criteria: ACMG Guidelines, 2015. Collection method: clinical testing. Allele origin: germline. Affected: yes. Observed: 2 variant alleles.

Greenwood Genetic Center Diagnostic Laboratories, Greenwood Genetic Center
Classification: Likely pathogenic for Long QT syndrome 1; Short QT syndrome type 2; Atrial fibrillation, familial, 3. Last evaluated: 2021-06-08. Review status: criteria provided, single submitter. Criteria: ACMG Guidelines, 2015. Collection method: clinical testing. Allele origin: germline.
Comment: PS3, PP3, PM1

Human Genome Sequencing Center Clinical Lab, Baylor College of Medicine
Classification: Likely pathogenic for Long QT syndrome 1. Last evaluated: 2018-01-30. Review status: criteria provided, single submitter. Criteria: ACMG Guidelines, 2015. Collection method: clinical testing. Allele origin: germline.
Comment: This c.776G>A (p.Arg259His) variant in the KCNQ1 gene has been reported in multiple LQTS/SQTS patients with significantly higher prevalence than that observed as extremely low in general population according to gnomad database. Arginine at amino acid position 259 is highly conserved during evolution. Arg259Cys, Arg259Gly and Arg259Leu have been reported in multiple LQTS/SQTS patients as deleterious mutations [PMID: 11021476, 15840476, 19716085, 27868350, 21350584]. Multiple in silico predictions suggest this arginine to histidine change is deleterious. Based upon above evidences, this c.776G>A (p.Arg259His) variant in the KCNQ1 gene is classified as likely pathogenic.

Juno Genomics, Hangzhou Juno Genomics, Inc
Classification: Likely pathogenic for Long QT syndrome 1. Review status: criteria provided, single submitter. Criteria: ACMG Guidelines, 2015. Collection method: clinical testing. Allele origin: germline.
Comment: Absent from controls (or at extremely low frequency if recessive) in Genome Aggregation Database.;The prevalence of the variant in affected individuals is significantly increased compared to the prevalence in controls.;Well-established in vitro or in vivo functional studies supportive of a damaging effect on the gene or gene product.;Novel missense change at an amino acid residue where a different missense change determined to be pathogenic has been seen before.

Cardiovascular Biomedical Research Unit, Royal Brompton & Harefield NHS Foundation Trust
No classification provided. Condition: Familial long QT syndrome. Review status: no classification provided. Collection method: literature only. Allele origin: germline. Not counted in ClinVar's aggregate classification.
Comment: This variant has been reported as associated with Long QT syndrome in the following publications (PMID:16922724). This is a literature report, and does not necessarily reflect the clinical interpretation of the Imperial College / Royal Brompton Cardiovascular Genetics laboratory.

Literature cited by the submitters: PubMed 15840476 (cited by Ambry Genetics); PubMed 16922724 (cited by 7 submitters); PubMed 19841300 (cited by Ambry Genetics); PubMed 24291113 (cited by 6 submitters); PubMed 24947509 (cited by Ambry Genetics and Mayo Clinic Laboratories, Mayo Clinic); PubMed 26346102 (cited by 6 submitters); PubMed 27868350 (cited by Ambry Genetics); PubMed 28575668 (cited by Ambry Genetics); PubMed 29241489 (cited by Ambry Genetics); PubMed 31589614 (cited by Ambry Genetics and AiLife Diagnostics); PubMed 33095155 (cited by Ambry Genetics); PubMed 34389451 (cited by Ambry Genetics); PubMed 34798354 (cited by 3 submitters); PubMed 39073097 (cited by Ambry Genetics and Color Diagnostics, LLC DBA Color Health); PubMed 11021476 (cited by Labcorp Genetics (formerly Invitae), Labcorp); PubMed 21350584 (cited by Labcorp Genetics (formerly Invitae), Labcorp); PubMed 23158531 (cited by Labcorp Genetics (formerly Invitae), Labcorp); PubMed 34076677 (cited by Mayo Clinic Laboratories, Mayo Clinic); PubMed 34505893 (cited by Mayo Clinic Laboratories, Mayo Clinic); PubMed 31696929 (cited by Color Diagnostics, LLC DBA Color Health); PubMed 32893267 (cited by Color Diagnostics, LLC DBA Color Health); PubMed 31447099 (cited by AiLife Diagnostics); PubMed 22581653 (cited by Cardiovascular Biomedical Research Unit, Royal Brompton & Harefield NHS Foundation Trust).